The following is an entry in ClinVar:

NM_001199397.3(NEK1):c.1859_1860del (p.Gln620fs)

Gene: NEK1 (NIMA related kinase 1; minus strand). Cytogenetic location: 4q33.
Variant type: Deletion.
Coding change: c.1859_1860del on transcript NM_001199397.3 (MANE Select); coding-DNA positions 1859 to 1860, 2 bases deleted (AA; older notation c.1859_1860delAA).
Protein change: p.Gln620fs; shifts the reading frame from glutamine 620.
Molecular consequence: frameshift variant. On other transcripts: non-coding transcript variant (1).
Genome position (GRCh38, 1-based): chr4:169,507,766-169,507,767, TT deleted on the plus strand (AA on the coding strand, the reverse complement: NEK1 is on the minus strand). VCF-style (leftmost placement, unchanged base first): chr4-169507765-CTT-C. GRCh37 (hg19) VCF-style: chr4-170428916-CTT-C.
Other names: c.1775_1776del, p.Gln592fs (NM_012224.4, NM_001374419.1, NM_001440621.1); c.1727_1728del, p.Gln576fs (NM_001199398.3, NM_001440622.1); c.1568_1569del, p.Gln523fs (NM_001199399.3); c.1643_1644del, p.Gln548fs (NM_001199400.3, NM_001440623.1); c.1859_1860del, p.Gln620fs (NM_001374418.1, NM_001440620.1); c.1724_1725del, p.Gln575fs (NM_001374420.1); c.1649_1650del, p.Gln550fs (NM_001374421.1); c.1154_1155del, p.Gln385fs (NM_001440624.1); and 1 more; short protein forms Q341fs, Q548fs, Q550fs, Q575fs, Q592fs, Q620fs, Q385fs, Q523fs.
Identifiers: ClinVar variation 4737879 (VCV004737879.1).

ClinVar aggregate classification (germline): Pathogenic (1 of 4 stars; one submission).

Conditions:
Short-rib thoracic dysplasia 6 with or without polydactyly (SRTD6). Also called: POLYDACTYLY WITH NEONATAL CHONDRODYSTROPHY, TYPE II; Majewski Syndrome; SHORT-RIB THORACIC DYSPLASIA 6 WITH POLYDACTYLY; SHORT-RIB THORACIC DYSPLASIA 6 WITHOUT POLYDACTYLY; SHORT RIB-POLYDACTYLY SYNDROME, TYPE IIA. Identifiers: MedGen C0024507, MONDO:0009894, OMIM 263520.

Submission:

Labcorp Genetics (formerly Invitae), Labcorp
Classification: Pathogenic for Short-rib thoracic dysplasia 6 with or without polydactyly. Last evaluated: 2025-05-06. Review status: criteria provided, single submitter. Criteria: Invitae Variant Classification Sherloc (09022015). Collection method: clinical testing. Allele origin: germline.
Comment: This sequence change creates a premature translational stop signal (p.Gln592Argfs*4) in the NEK1 gene. It is expected to result in an absent or disrupted protein product. Loss-of-function variants in NEK1 are known to be pathogenic (PMID: 22499340, 29068549). This variant is present in population databases (no rsID available, gnomAD 0.0009%). This variant has not been reported in the literature in individuals affected with NEK1-related conditions. For these reasons, this variant has been classified as Pathogenic.

Literature cited by the submitters: PubMed 22499340; PubMed 29068549.